The following is an entry in ClinVar:

NM_015100.4(POGZ):c.696G>A (p.Pro232=)

Gene: POGZ (pogo transposable element derived with ZNF domain; minus strand). Cytogenetic location: 1q21.3.
Variant type: single nucleotide variant.
Coding change: c.696G>A on transcript NM_015100.4 (MANE Select); coding-DNA position 696, G replaced by A.
Protein change: p.Pro232=; no amino-acid change (proline 232 retained).
Molecular consequence: synonymous variant.
Genome position (GRCh38, 1-based): chr1:151,428,286, C>T on the plus strand (G>A on the coding strand, the complement: POGZ is on the minus strand). VCF-style: chr1-151428286-C-T. GRCh37 (hg19) VCF-style: chr1-151400762-C-T.
Other names: c.537G>A, p.Pro179= (NM_207171.2, NM_001194938.2); c.696G>A, p.Pro232= (NM_001194937.2); c.717G>A, p.Pro239= (NM_001410860.1); c.411G>A, p.Pro137= (NM_145796.4).
Identifiers: ClinVar variation 3770790 (VCV003770790.13).

ClinVar aggregate classification (germline): Likely benign (1 of 4 stars; one submission).

gnomAD v4.1: 81 of 1,613,812 alleles (0.005%); highest among the groups gnomAD compares: Non-Finnish European, 0.0062%; no homozygotes.

Submission:

CeGaT Center for Human Genetics Tuebingen
Classification: Likely benign. Last evaluated: 2025-07-01. Review status: criteria provided, single submitter. Criteria: CeGaT Center For Human Genetics Tuebingen Variant Classification Criteria Version 2. Collection method: clinical testing. Allele origin: germline. Affected: yes. Observed: 2 variant alleles.
Comment: POGZ: BP4, BP7